The following is an entry in ClinVar:

NM_020822.3(KCNT1):c.728G>A (p.Trp243Ter)

Gene: KCNT1 (potassium sodium-activated channel subfamily T member 1; plus strand). Cytogenetic location: 9q34.3.
Variant type: single nucleotide variant.
Coding change: c.728G>A on transcript NM_020822.3 (MANE Select); coding-DNA position 728, G replaced by A.
Protein change: p.Trp243Ter; replaces tryptophan 243 with a stop codon.
Molecular consequence: nonsense.
Genome position (GRCh38, 1-based): chr9:135,757,350, G>A. VCF-style: chr9-135757350-G-A. GRCh37 (hg19) VCF-style: chr9-138649196-G-A.
Other names: c.584G>A, p.Trp195Ter (NM_001272003.2); short protein forms W195*, W243*.
Identifiers: ClinVar variation 4854240 (VCV004854240.1).

ClinVar aggregate classification (germline): Likely pathogenic (1 of 4 stars; one submission).

Conditions:
KCNT1-related disorder. Also called: KCNT1-related condition.

Submission:

3billion
Classification: Likely pathogenic for KCNT1-related disorder. Last evaluated: 2025-08-21. Review status: criteria provided, single submitter. Criteria: ACMG Guidelines, 2015. Collection method: clinical testing. Allele origin: germline. Affected: yes.
Comment: The variant is not observed in the gnomAD v4.1.0 dataset. Predicted Consequence/Location: Stop-gained (nonsense): predicted to result in a loss or disruption of normal protein function through nonsense-mediated decay (NMD) or protein truncation. Multiple pathogenic variants are reported downstream of the variant. Therefore, this variant is classified as Likely pathogenic according to the recommendation of ACMG/AMP guideline.